The following is an entry in ClinVar:

ClinVar aggregate classification (germline): Uncertain significance (1 of 4 stars; one submission).

Conditions:
Lethal multiple pterygium syndrome (LMPS). Identifiers: Orphanet 33108, MedGen C1854678, MONDO:0009668, OMIM 253290.

Allele frequency attached by ClinVar (database versions not stated): gnomAD exomes below 0.00001.
gnomAD v4.1: 3 of 1,614,072 alleles (0.00019%); highest among the groups gnomAD compares: Non-Finnish European, 0.00025%; no homozygotes.

Submission:

Labcorp Genetics (formerly Invitae), Labcorp
Classification: Uncertain significance for Lethal multiple pterygium syndrome. Last evaluated: 2023-10-29. Review status: criteria provided, single submitter. Criteria: Invitae Variant Classification Sherloc (09022015). Collection method: clinical testing. Allele origin: germline.
Comment: This sequence change replaces glycine, which is neutral and non-polar, with glutamic acid, which is acidic and polar, at codon 194 of the CHRNA1 protein (p.Gly194Glu). This variant is not present in population databases (gnomAD no frequency). This variant has not been reported in the literature in individuals affected with CHRNA1-related conditions. ClinVar contains an entry for this variant (Variation ID: 2042394). Advanced modeling of protein sequence and biophysical properties (such as structural, functional, and spatial information, amino acid conservation, physicochemical variation, residue mobility, and thermodynamic stability) performed at Invitae indicates that this missense variant is not expected to disrupt CHRNA1 protein function with a negative predictive value of 80%. In summary, the available evidence is currently insufficient to determine the role of this variant in disease. Therefore, it has been classified as a Variant of Uncertain Significance.

NM_000079.4(CHRNA1):c.581G>A (p.Gly194Glu)

Gene: CHRNA1 (cholinergic receptor nicotinic alpha 1 subunit; minus strand). Cytogenetic location: 2q31.1.
Variant type: single nucleotide variant.
Coding change: c.581G>A on transcript NM_000079.4 (MANE Select); coding-DNA position 581, G replaced by A.
Protein change: p.Gly194Glu; replaces glycine 194 with glutamic acid.
Molecular consequence: missense variant.
Genome position (GRCh38, 1-based): chr2:174,753,700, C>T on the plus strand (G>A on the coding strand, the complement: CHRNA1 is on the minus strand). VCF-style: chr2-174753700-C-T. GRCh37 (hg19) VCF-style: chr2-175618428-C-T.
Other names: c.656G>A, p.Gly219Glu (NM_001039523.3); short protein forms G194E, G219E.
Identifiers: ClinVar variation 2042394 (VCV002042394.4), dbSNP rs2468893695, ClinGen allele CA349340186.
Genomic context (GRCh38, chr2:174,753,700, plus strand): 5'-GGGCAGCAGGAATAGGTCACGGAGTGCTTCCAGCCCCGGGACTCCTTGATCACCCACTCC[C>T]CGCTCTCCATGAAGTTGCTCAGGTCTGGCTGGTCGCTTTCCTGAGAAAGGAAGTGAGGTT-3'
Protein context (NP_000070.1, residues 184-204): QPDLSNFMES[Gly194Glu]EWVIKESRGW